The following is an entry in ClinVar:

ClinVar aggregate classification (germline): Uncertain significance (1 of 4 stars; one submission).

gnomAD v4.1: 2 of 1,556,048 alleles (0.00013%); highest among the groups gnomAD compares: Non-Finnish European, 0.00017%; no homozygotes.

Submission:

Labcorp Genetics (formerly Invitae), Labcorp
Classification: Uncertain significance. Last evaluated: 2024-04-09. Review status: criteria provided, single submitter. Criteria: Invitae Variant Classification Sherloc (09022015). Collection method: clinical testing. Allele origin: germline.
Comment: This sequence change replaces glycine, which is neutral and non-polar, with valine, which is neutral and non-polar, at codon 139 of the DHX37 protein (p.Gly139Val). This variant is not present in population databases (gnomAD no frequency). This variant has not been reported in the literature in individuals affected with DHX37-related conditions. An algorithm developed to predict the effect of missense changes on protein structure and function (PolyPhen-2) suggests that this variant is likely to be tolerated. In summary, the available evidence is currently insufficient to determine the role of this variant in disease. Therefore, it has been classified as a Variant of Uncertain Significance.

NM_032656.4(DHX37):c.416G>T (p.Gly139Val)

Gene: DHX37 (DEAH-box helicase 37; minus strand). Cytogenetic location: 12q24.31.
Variant type: single nucleotide variant.
Coding change: c.416G>T on transcript NM_032656.4 (MANE Select); coding-DNA position 416, G replaced by T.
Protein change: p.Gly139Val; replaces glycine 139 with valine.
Molecular consequence: missense variant.
Genome position (GRCh38, 1-based): chr12:124,980,812, C>A on the plus strand (G>T on the coding strand, the complement: DHX37 is on the minus strand). VCF-style: chr12-124980812-C-A. GRCh37 (hg19) VCF-style: chr12-125465358-C-A.
Other names: short protein forms G139V.
Identifiers: ClinVar variation 3673944 (VCV003673944.2).
Genomic context (GRCh38, chr12:124,980,812, plus strand): 5'-GCTGAGGGCCAGCGGCGACGCTTCCGGTGGGCACCGCTGAGGCTACTGATCTTCTCCTGG[C>A]CCGGGGCTACCACCTCGTCAGCCTTCCTGTTGAGATAGCAGAGACTTCAGGCACAGAGGC-3'
Protein context (NP_116045.2, residues 129-149): KEKADEVVAP[Gly139Val]QEKISSLSGA